The following is an entry in ClinVar:

ClinVar aggregate classification (germline): Uncertain significance (1 of 4 stars; one submission).

Conditions:
Retinoblastoma (RB1). Also called: RETINOBLASTOMA, SOMATIC. Identifiers: Orphanet 790, MedGen C0035335, MeSH D012175, MONDO:0008380, OMIM 180200, HP:0009919. Disease mechanism: loss of function. Inheritance: Both sporadic and heritable forms are tested..

Submission:

Labcorp Genetics (formerly Invitae), Labcorp
Classification: Uncertain significance for Retinoblastoma. Last evaluated: 2025-12-15. Review status: criteria provided, single submitter. Criteria: Invitae Variant Classification Sherloc (09022015). Collection method: clinical testing. Allele origin: germline.
Comment: This variant occurs in a non-coding region of the RB1 gene. It does not change the encoded amino acid sequence of the RB1 protein. This variant is not present in population databases (gnomAD no frequency). This variant has not been reported in the literature in individuals affected with RB1-related conditions. Experimental studies and prediction algorithms are not available or were not evaluated, and the functional significance of this variant is currently unknown. In summary, the available evidence is currently insufficient to determine the role of this variant in disease. Therefore, it has been classified as a Variant of Uncertain Significance.

NC_000013.11:g.48303710C>T

Gene: RB1 (RB transcriptional corepressor 1; plus strand). Cytogenetic location: 13q14.2.
Variant type: single nucleotide variant.
Genome position: GRCh38 VCF-style: chr13-48303710-C-T. GRCh37 (hg19) VCF-style: chr13-48877846-C-T.
Identifiers: ClinVar variation 4798552 (VCV004798552.1).